The following is an entry in ClinVar:

NM_004304.5(ALK):c.1825C>G (p.Leu609Val)

Gene: ALK (ALK receptor tyrosine kinase; minus strand). Cytogenetic location: 2p23.2.
Variant type: single nucleotide variant.
Coding change: c.1825C>G on transcript NM_004304.5 (MANE Select); coding-DNA position 1825, C replaced by G.
Protein change: p.Leu609Val; replaces leucine 609 with valine.
Molecular consequence: missense variant.
Genome position (GRCh38, 1-based): chr2:29,275,489, G>C on the plus strand (C>G on the coding strand, the complement: ALK is on the minus strand). VCF-style: chr2-29275489-G-C. GRCh37 (hg19) VCF-style: chr2-29498355-G-C.
Other names: short protein forms L609V.
Identifiers: ClinVar variation 1003120 (VCV001003120.12), dbSNP rs1665518534, ClinGen allele CA346480040.

ClinVar aggregate classification (germline): Uncertain significance. Review status: criteria provided, multiple submitters, no conflicts (2 of 4 stars). 2 submissions from 2 submitters: Uncertain significance (2). Last evaluated 2026-01-30.

Conditions:
Neuroblastoma, susceptibility to, 3. Also called: ALK-Related Neuroblastic Tumor Susceptibility. Identifiers: Orphanet 635, MedGen C2751681, MONDO:0013083, OMIM 613014.
Hereditary cancer-predisposing syndrome. Also called: Hereditary neoplastic syndrome; Neoplastic Syndromes, Hereditary; Tumor predisposition; Hereditary Cancer Syndrome. Identifiers: Orphanet 140162, MedGen C0027672, MeSH D009386, MONDO:0015356.

Allele frequency attached by ClinVar (database versions not stated): gnomAD exomes 0.00003.
gnomAD v4.1: 22 of 1,614,088 alleles (0.0014%); highest among the groups gnomAD compares: Non-Finnish European, 0.0018%; no homozygotes.

Submissions (2):

Labcorp Genetics (formerly Invitae), Labcorp
Classification: Uncertain significance for Neuroblastoma, susceptibility to, 3. Last evaluated: 2026-01-30. Review status: criteria provided, single submitter. Criteria: Invitae Variant Classification Sherloc (09022015). Collection method: clinical testing. Allele origin: germline.
Comment: This sequence change replaces leucine, which is neutral and non-polar, with valine, which is neutral and non-polar, at codon 609 of the ALK protein (p.Leu609Val). This variant is not present in population databases (gnomAD no frequency). This variant has not been reported in the literature in individuals affected with ALK-related conditions. ClinVar contains an entry for this variant (Variation ID: 1003120). An algorithm developed to predict the effect of missense changes on protein structure and function (PolyPhen-2) suggests that this variant is likely to be disruptive. In summary, the available evidence is currently insufficient to determine the role of this variant in disease. Therefore, it has been classified as a Variant of Uncertain Significance.

Ambry Genetics
Classification: Uncertain significance for Hereditary cancer-predisposing syndrome. Last evaluated: 2024-11-26. Review status: criteria provided, single submitter. Criteria: Ambry Variant Classification Scheme 2023. Collection method: clinical testing. Allele origin: germline.
Comment: The p.L609V variant (also known as c.1825C>G), located in coding exon 10 of the ALK gene, results from a C to G substitution at nucleotide position 1825. The leucine at codon 609 is replaced by valine, an amino acid with highly similar properties. This amino acid position is conserved. In addition, this alteration is predicted to be tolerated by in silico analysis. Since supporting evidence is limited at this time, the clinical significance of this alteration remains unclear.